The following is an entry in ClinVar:

NM_001001936.3(AFAP1L2):c.1905C>G (p.Thr635=)

Gene: AFAP1L2 (actin filament associated protein 1 like 2; minus strand). Cytogenetic location: 10q25.3.
Variant type: single nucleotide variant.
Coding change: c.1905C>G on transcript NM_001001936.3 (MANE Select); coding-DNA position 1905, C replaced by G.
Protein change: p.Thr635=; no amino-acid change (threonine 635 retained).
Molecular consequence: synonymous variant.
Genome position (GRCh38, 1-based): chr10:114,300,246, G>C on the plus strand (C>G on the coding strand, the complement: AFAP1L2 is on the minus strand). VCF-style: chr10-114300246-G-C. GRCh37 (hg19) VCF-style: chr10-116060005-G-C.
Other names: c.2064C>G, p.Thr688= (NM_001287824.2); c.1956C>G, p.Thr652= (NM_001351064.2, NM_001351067.2); c.1989C>G, p.Thr663= (NM_001351065.2, NM_001351078.2); c.1740C>G, p.Thr580= (NM_001351066.2, NM_001351080.2); c.1959C>G, p.Thr653= (NM_001351068.2); c.1902C>G, p.Thr634= (NM_001351069.2, NM_001351074.2); c.1737C>G, p.Thr579= (NM_001351070.2); c.1821C>G, p.Thr607= (NM_001351071.2); and 5 more.
Identifiers: ClinVar variation 2640863 (VCV002640863.24), dbSNP rs144048981, ClinGen allele CA5701138.

ClinVar aggregate classification (germline): Likely benign (1 of 4 stars; one submission).

Allele frequency attached by ClinVar (database versions not stated): 1000 Genomes Project 0.00180; 1000 Genomes Project 30x 0.00203; ExAC 0.00306; ESP Exome Variant Server 0.00331; gnomAD 0.00347; TOPMed 0.00366.
gnomAD v4.1: 7,431 of 1,614,124 alleles (0.46%); highest among the groups gnomAD compares: Middle Eastern, 0.71%; 28 homozygotes.

Submission:

CeGaT Center for Human Genetics Tuebingen
Classification: Likely benign. Last evaluated: 2022-08-01. Review status: criteria provided, single submitter. Criteria: CeGaT Center For Human Genetics Tuebingen Variant Classification Criteria Version 2. Collection method: clinical testing. Allele origin: germline. Affected: yes. Observed: 1 variant allele.
Comment: AFAP1L2: BP4, BP7